The following is an entry in ClinVar:

ClinVar aggregate classification (germline): Uncertain significance (1 of 4 stars; one submission).

gnomAD v4.1: 1 of 1,613,900 alleles (0.000062%); highest among the groups gnomAD compares: Non-Finnish European, 0.000085%; no homozygotes.

Submission:

GeneDx
Classification: Uncertain significance. Last evaluated: 2024-06-20. Review status: criteria provided, single submitter. Criteria: GeneDx Variant Classification Process June 2021. Collection method: clinical testing. Allele origin: germline. Affected: yes.
Comment: Not observed at significant frequency in large population cohorts (gnomAD); In silico analysis supports that this missense variant has a deleterious effect on protein structure/function; Has not been previously published as pathogenic or benign to our knowledge; This variant is associated with the following publications: (PMID: 25817015)

NM_001605.3(AARS1):c.670A>G (p.Arg224Gly)

Gene: AARS1 (alanyl-tRNA synthetase 1; minus strand). Cytogenetic location: 16q22.1.
Variant type: single nucleotide variant.
Coding change: c.670A>G on transcript NM_001605.3 (MANE Select); coding-DNA position 670, A replaced by G.
Protein change: p.Arg224Gly; replaces arginine 224 with glycine.
Molecular consequence: missense variant.
Genome position (GRCh38, 1-based): chr16:70,271,782, T>C on the plus strand (A>G on the coding strand, the complement: AARS1 is on the minus strand). VCF-style: chr16-70271782-T-C. GRCh37 (hg19) VCF-style: chr16-70305685-T-C.
Other names: short protein forms R224G.
Identifiers: ClinVar variation 3391569 (VCV003391569.1).